The following is an entry in ClinVar:

ClinVar aggregate classification (germline): Uncertain significance. Review status: criteria provided, single submitter (1 of 4 stars). 2 submissions from 2 submitters: Uncertain significance (1). 1 of the submissions does not count toward it. Last evaluated 2021-08-27.

Conditions:
3-methylcrotonyl-CoA carboxylase 1 deficiency (MCC1D). Also called: MCCD TYPE 1; METHYLCROTONYLGLYCINURIA TYPE I; MCC 1 deficiency; 3 Alpha methylcrotonylglycinuria 1. Identifiers: Orphanet 6, MedGen CN028786, MONDO:0008861, OMIM 210200.

Allele frequency attached by ClinVar (database versions not stated): gnomAD exomes below 0.00001; TOPMed below 0.00001; ExAC 0.00001.
gnomAD v4.1: 1 of 1,614,148 alleles (0.000062%); highest among the groups gnomAD compares: South Asian, 0.0011%; no homozygotes.

Submissions (2):

Labcorp Genetics (formerly Invitae), Labcorp
Classification: Uncertain significance for 3-methylcrotonyl-CoA carboxylase 1 deficiency. Last evaluated: 2021-08-27. Review status: criteria provided, single submitter. Criteria: Invitae Variant Classification Sherloc (09022015). Collection method: clinical testing. Allele origin: germline.
Comment: This sequence change replaces isoleucine with valine at codon 686 of the MCCC1 protein (p.Ile686Val). The isoleucine residue is highly conserved and there is a small physicochemical difference between isoleucine and valine. This variant is present in population databases (rs751755306, ExAC 0.006%). This variant has not been reported in the literature in individuals affected with MCCC1-related conditions. Algorithms developed to predict the effect of missense changes on protein structure and function output the following: SIFT: "Tolerated"; PolyPhen-2: "Benign"; Align-GVGD: "Class C15". The valine amino acid residue is found in multiple mammalian species, which suggests that this missense change does not adversely affect protein function. In summary, the available evidence is currently insufficient to determine the role of this variant in disease. Therefore, it has been classified as a Variant of Uncertain Significance.

Natera, Inc.
Classification: Uncertain significance for 3-methylcrotonyl-CoA carboxylase 1 deficiency. Last evaluated: 2021-05-17. Review status: no assertion criteria provided. Collection method: clinical testing. Allele origin: germline. Not counted in ClinVar's aggregate classification.

NM_020166.5(MCCC1):c.2056A>G (p.Ile686Val)

Gene: MCCC1 (methylcrotonyl-CoA carboxylase subunit 1; minus strand). Cytogenetic location: 3q27.1.
Variant type: single nucleotide variant.
Coding change: c.2056A>G on transcript NM_020166.5 (MANE Select); coding-DNA position 2056, A replaced by G.
Protein change: p.Ile686Val; replaces isoleucine 686 with valine.
Molecular consequence: missense variant. On other transcripts: non-coding transcript variant (2).
Genome position (GRCh38, 1-based): chr3:183,015,560, T>C on the plus strand (A>G on the coding strand, the complement: MCCC1 is on the minus strand). VCF-style: chr3-183015560-T-C. GRCh37 (hg19) VCF-style: chr3-182733348-T-C.
Other names: c.1705A>G, p.Ile569Val (NM_001293273.2); c.1729A>G, p.Ile577Val (NM_001363880.1); short protein forms I569V, I577V, I686V.
Identifiers: ClinVar variation 1026811 (VCV001026811.10), dbSNP rs751755306, ClinGen allele CA2718561.
Genomic context (GRCh38, chr3:183,015,560, plus strand): 5'-TGGCCTGAGCACCTTCTCTGTAGAACACTTTCTTTACTGTGCCATCCTTTGGAGACTTTA[T>C]GGTATGCTGCAGAGACACATGACAGGACAAATGATAGCTGCAATACTAATGAGGACTGAG-3'
Protein context (NP_064551.3, residues 676-696): VMIAMKMEHT[Ile686Val]KSPKDGTVKK